The following is an entry in ClinVar:

NM_017433.5(MYO3A):c.962G>A (p.Arg321His)

Gene: MYO3A (myosin IIIA; plus strand). Cytogenetic location: 10p12.1.
Variant type: single nucleotide variant.
Coding change: c.962G>A on transcript NM_017433.5 (MANE Select); coding-DNA position 962, G replaced by A.
Protein change: p.Arg321His; replaces arginine 321 with histidine.
Molecular consequence: missense variant.
Genome position (GRCh38, 1-based): chr10:26,066,983, G>A. VCF-style: chr10-26066983-G-A. GRCh37 (hg19) VCF-style: chr10-26355912-G-A.
Other names: c.962G>A (NM_017433.4); short protein forms R321H.
Identifiers: ClinVar variation 1367062 (VCV001367062.9), dbSNP rs770114774, ClinGen allele CA5444513.

ClinVar aggregate classification (germline): Uncertain significance. Review status: criteria provided, multiple submitters, no conflicts (2 of 4 stars). 2 submissions from 2 submitters: Uncertain significance (2). Last evaluated 2022-08-22.

Conditions:
Inborn genetic diseases. Identifiers: MedGen C0950123, MeSH D030342.

Allele frequency attached by ClinVar (database versions not stated): ExAC 0.00001; gnomAD 0.00001; TOPMed 0.00001.
gnomAD v4.1: 26 of 1,608,670 alleles (0.0016%); highest among the groups gnomAD compares: South Asian, 0.0033%; no homozygotes.

Submissions (2):

Ambry Genetics
Classification: Uncertain significance for Inborn genetic diseases. Last evaluated: 2022-08-22. Review status: criteria provided, single submitter. Criteria: Ambry Variant Classification Scheme 2023. Collection method: clinical testing. Allele origin: germline.

Labcorp Genetics (formerly Invitae), Labcorp
Classification: Uncertain significance. Last evaluated: 2022-08-10. Review status: criteria provided, single submitter. Criteria: Invitae Variant Classification Sherloc (09022015). Collection method: clinical testing. Allele origin: germline.
Comment: This sequence change replaces arginine, which is basic and polar, with histidine, which is basic and polar, at codon 321 of the MYO3A protein (p.Arg321His). This variant is present in population databases (rs770114774, gnomAD 0.02%). This variant has not been reported in the literature in individuals affected with MYO3A-related conditions. ClinVar contains an entry for this variant (Variation ID: 1367062). In summary, the available evidence is currently insufficient to determine the role of this variant in disease. Therefore, it has been classified as a Variant of Uncertain Significance. Algorithms developed to predict the effect of missense changes on protein structure and function (SIFT, PolyPhen-2, Align-GVGD) all suggest that this variant is likely to be disruptive.